The following is an entry in ClinVar:

ClinVar aggregate classification (germline): Benign (1 of 4 stars; one submission).

Allele frequency attached by ClinVar (database versions not stated): gnomAD exomes 0.56512; TOPMed 0.57413; 1000 Genomes Project 0.51198; ExAC 0.54659; gnomAD 0.57660; 1000 Genomes Project 30x 0.51577.
gnomAD v4.1: 441,199 of 777,036 alleles (57%); highest among the groups gnomAD compares: Non-Finnish European, 60%; 127,445 homozygotes.

Submission:

Unidad de Genómica Garrahan, Hospital de Pediatría Garrahan
Classification: Benign. Last evaluated: 2023-11-12. Review status: criteria provided, single submitter. Criteria: ACMG Guidelines, 2015. Collection method: clinical testing. Allele origin: germline. Affected: no. Observed: 77 variant alleles.
Comment: This variant is classified as Benign based on local population frequency. This variant was detected in 80% of patients studied by a panel of primary immunodeficiencies. Number of patients: 77. Only high quality variants are reported.

NM_001199138.2(NLRC4):c.1+49A>T

Gene: NLRC4 (NLR family CARD domain containing 4; minus strand). Cytogenetic location: 2p22.3.
Variant type: single nucleotide variant.
Coding change: c.1+49A>T on transcript NM_001199138.2 (MANE Select); 49 bases into the intron after coding-DNA position 1, A replaced by T.
Molecular consequence: intron variant.
Genome position (GRCh38, 1-based): chr2:32,256,726, T>A on the plus strand (A>T on the coding strand, the complement: NLRC4 is on the minus strand). VCF-style: chr2-32256726-T-A. GRCh37 (hg19) VCF-style: chr2-32481795-T-A.
Other names: c.1+49A>T (NM_001302504.1, NM_021209.4, NM_001199139.1).
Identifiers: ClinVar variation 2628112 (VCV002628112.2), dbSNP rs59966205, ClinGen allele CA1602244.